The following is an entry in ClinVar:

NM_001038603.3(MARVELD2):c.1479G>A (p.Leu493=)

Gene: MARVELD2 (MARVEL domain containing 2; plus strand). Cytogenetic location: 5q13.2.
Variant type: single nucleotide variant.
Coding change: c.1479G>A on transcript NM_001038603.3 (MANE Select); coding-DNA position 1479, G replaced by A.
Protein change: p.Leu493=; no amino-acid change (leucine 493 retained).
Molecular consequence: synonymous variant.
Genome position (GRCh38, 1-based): chr5:69,433,069, G>A. VCF-style: chr5-69433069-G-A. GRCh37 (hg19) VCF-style: chr5-68728896-G-A.
Other names: c.1443G>A, p.Leu481= (NM_001244734.2).
Identifiers: ClinVar variation 227541 (VCV000227541.7), dbSNP rs752765358, ClinGen allele CA10576657.

ClinVar aggregate classification (germline): Likely benign. Review status: criteria provided, multiple submitters, no conflicts (2 of 4 stars). 2 submissions from 2 submitters: Likely benign (2). Last evaluated 2023-07-23.

Allele frequency attached by ClinVar (database versions not stated): gnomAD 0.00001; TOPMed 0.00002.
gnomAD v4.1: 60 of 1,613,118 alleles (0.0037%); highest among the groups gnomAD compares: Non-Finnish European, 0.0048%; no homozygotes.

Submissions (2):

Labcorp Genetics (formerly Invitae), Labcorp
Classification: Likely benign. Last evaluated: 2023-07-23. Review status: criteria provided, single submitter. Criteria: Invitae Variant Classification Sherloc (09022015). Collection method: clinical testing. Allele origin: germline.

Laboratory for Molecular Medicine, Mass General Brigham Personalized Medicine
Classification: Likely benign. Last evaluated: 2015-01-14. Review status: criteria provided, single submitter. Criteria: LMM Criteria. Collection method: clinical testing. Allele origin: germline. Observed: 1 variant allele.
Comment: p.Leu493Leu in Exon 5 of MARVELD2: This variant is not expected to have clinical significance because it does not alter an amino acid residue and is not located within the splice consensus sequence.